The following is an entry in ClinVar:

ClinVar aggregate classification (germline): Uncertain significance. Review status: criteria provided, multiple submitters, no conflicts (2 of 4 stars). 2 submissions from 2 submitters: Uncertain significance (2). Last evaluated 2025-12-09.

Conditions:
Inborn genetic diseases. Identifiers: MedGen C0950123, MeSH D030342.

Allele frequency attached by ClinVar (database versions not stated): gnomAD 0.00001 and 0.00003; gnomAD exomes 0.00006 and 0.00010; ExAC 0.00012.
gnomAD v4.1: 86 of 1,613,328 alleles (0.0053%); highest among the groups gnomAD compares: South Asian, 0.083%; 1 homozygote.

Submissions (2):

Ambry Genetics
Classification: Uncertain significance for Inborn genetic diseases. Last evaluated: 2025-12-09. Review status: criteria provided, single submitter. Criteria: Ambry Variant Classification Scheme 2023. Collection method: clinical testing. Allele origin: germline.

GeneDx
Classification: Uncertain significance. Last evaluated: 2021-06-28. Review status: criteria provided, single submitter. Criteria: GeneDx Variant Classification Process June 2021. Collection method: clinical testing. Allele origin: germline. Affected: yes.
Comment: In silico analysis supports that this missense variant has a deleterious effect on protein structure/function; Has not been previously published as pathogenic or benign to our knowledge; This variant is associated with the following publications: (PMID: 27535533)

NM_006059.4(LAMC3):c.2675A>G (p.His892Arg)

Gene: LAMC3 (laminin subunit gamma 3; plus strand). Cytogenetic location: 9q34.12.
Variant type: single nucleotide variant.
Coding change: c.2675A>G on transcript NM_006059.4 (MANE Select); coding-DNA position 2675, A replaced by G.
Protein change: p.His892Arg; replaces histidine 892 with arginine.
Molecular consequence: missense variant.
Genome position (GRCh38, 1-based): chr9:131,068,159, A>G. VCF-style: chr9-131068159-A-G. GRCh37 (hg19) VCF-style: chr9-133943546-A-G.
Other names: short protein forms H892R.
Identifiers: ClinVar variation 1331222 (VCV001331222.5), dbSNP rs756250342, ClinGen allele CA5287529.
Genomic context (GRCh38, chr9:131,068,159, plus strand): 5'-GCTCGGTCAGTGAGCAGATGCCCTGCGACCCAGTGACAGGCCAATGCTCCTGCCTGCCTC[A>G]TGTGACTGCACGGGACTGCAGCCGCTGCTACCCTGGCTTCTTCGACCTCCAGCCTGGGAG-3'
Protein context (NP_006050.3, residues 882-902): PVTGQCSCLP[His892Arg]VTARDCSRCY